The following is an entry in ClinVar:

NM_000038.6(APC):c.4349G>T (p.Arg1450Leu)

Gene: APC (APC regulator of Wnt signaling pathway; plus strand). Cytogenetic location: 5q22.2.
Variant type: single nucleotide variant.
Coding change: c.4349G>T on transcript NM_000038.6 (MANE Select); coding-DNA position 4349, G replaced by T.
Protein change: p.Arg1450Leu; replaces arginine 1450 with leucine.
Molecular consequence: missense variant.
Genome position (GRCh38, 1-based): chr5:112,839,943, G>T. VCF-style: chr5-112839943-G-T. GRCh37 (hg19) VCF-style: chr5-112175640-G-T.
Other names: c.4349G>T, p.Arg1450Leu (NM_001127510.3, NM_001354895.2); c.4295G>T, p.Arg1432Leu (NM_001127511.3); c.4403G>T, p.Arg1468Leu (NM_001354896.2); c.4379G>T, p.Arg1460Leu (NM_001354897.2); c.4274G>T, p.Arg1425Leu (NM_001354898.2); c.4265G>T, p.Arg1422Leu (NM_001354899.2); c.4226G>T, p.Arg1409Leu (NM_001354900.2); c.4172G>T, p.Arg1391Leu (NM_001354901.2); and 5 more; short protein forms R1450L, R1432L, R1167L, R1460L, R1324L, R1422L, R1290L, R1349L.
Identifiers: ClinVar variation 537491 (VCV000537491.14), dbSNP rs587782678, ClinGen allele CA16030858.

ClinVar aggregate classification (germline): Uncertain significance. Review status: criteria provided, multiple submitters, no conflicts (2 of 4 stars). 4 submissions from 4 submitters: Uncertain significance (4). Last evaluated 2026-03-27.

Conditions:
Hereditary cancer-predisposing syndrome. Also called: Tumor predisposition; Hereditary neoplastic syndrome; Neoplastic Syndromes, Hereditary; Hereditary Cancer Syndrome. Identifiers: Orphanet 140162, MedGen C0027672, MeSH D009386, MONDO:0015356.
Familial adenomatous polyposis 1 (FAP1). Also called: POLYPOSIS, ADENOMATOUS INTESTINAL; FAMILIAL ADENOMATOUS POLYPOSIS 1, ATTENUATED. Identifiers: MedGen C2713442, MONDO:0021056, OMIM 175100. Disease mechanism: loss of function.

Submissions (4):

Ambry Genetics
Classification: Uncertain significance for Hereditary cancer-predisposing syndrome. Last evaluated: 2026-03-27. Review status: criteria provided, single submitter. Criteria: Ambry Variant Classification Scheme 2023. Collection method: clinical testing. Allele origin: germline.
Comment: The p.R1450L variant (also known as c.4349G>T), located in coding exon 15 of the APC gene, results from a G to T substitution at nucleotide position 4349. The arginine at codon 1450 is replaced by leucine, an amino acid with dissimilar properties. This amino acid position is not well conserved in available vertebrate species. In addition, in silico predictors for this gene do not accurately predict pathogenicity. Missense variants in APC are not a common cause of disease (Spier I et al. Genet Med. 2024 Feb;26(2):100992). Based on the available evidence, the clinical significance of this variant remains unclear.

Color Diagnostics, LLC DBA Color Health
Classification: Uncertain significance for Hereditary cancer-predisposing syndrome. Last evaluated: 2025-07-30. Review status: criteria provided, single submitter. Criteria: ACMG Guidelines, 2015. Collection method: clinical testing. Allele origin: germline.
Comment: This missense variant replaces arginine with leucine at codon 1450 of the APC protein. Computational prediction suggests that this variant may not impact protein structure and function. To our knowledge, functional studies have not been reported for this variant. This variant has not been reported in individuals affected with APC-related disorders in the literature. This variant has not been identified in the general population by the Genome Aggregation Database (gnomAD). The available evidence is insufficient to determine the role of this variant in disease conclusively. Therefore, this variant is classified as a Variant of Uncertain Significance.

Labcorp Genetics (formerly Invitae), Labcorp
Classification: Uncertain significance for Familial adenomatous polyposis 1. Last evaluated: 2019-03-05. Review status: criteria provided, single submitter. Criteria: Invitae Variant Classification Sherloc (09022015). Collection method: clinical testing. Allele origin: germline.
Comment: In summary, the available evidence is currently insufficient to determine the role of this variant in disease. Therefore, it has been classified as a Variant of Uncertain Significance. Algorithms developed to predict the effect of missense changes on protein structure and function (SIFT, PolyPhen-2, Align-GVGD) all suggest that this variant is likely to be tolerated, but these predictions have not been confirmed by published functional studies and their clinical significance is uncertain. This variant has not been reported in the literature in individuals with APC-related disease. This variant is not present in population databases (ExAC no frequency). This sequence change replaces arginine with leucine at codon 1450 of the APC protein (p.Arg1450Leu). The arginine residue is moderately conserved and there is a moderate physicochemical difference between arginine and leucine.

Mendelics
Classification: Uncertain significance for Familial adenomatous polyposis 1. Last evaluated: 2018-07-02. Review status: criteria provided, single submitter. Criteria: Mendelics Assertion Criteria 2017. Collection method: clinical testing. Allele origin: unknown.